The following is an entry in ClinVar:

ClinVar aggregate classification (germline): Uncertain significance (1 of 4 stars; one submission).

gnomAD v4.1: 3 of 1,614,186 alleles (0.00019%); highest among the groups gnomAD compares: Non-Finnish European, 0.00025%; no homozygotes.

Submission:

Labcorp Genetics (formerly Invitae), Labcorp
Classification: Uncertain significance. Last evaluated: 2024-11-05. Review status: criteria provided, single submitter. Criteria: Invitae Variant Classification Sherloc (09022015). Collection method: clinical testing. Allele origin: germline.
Comment: This sequence change replaces proline, which is neutral and non-polar, with arginine, which is basic and polar, at codon 24 of the RP1 protein (p.Pro24Arg). This variant is not present in population databases (gnomAD no frequency). This variant has not been reported in the literature in individuals affected with RP1-related conditions. ClinVar contains an entry for this variant (Variation ID: 1464871). An algorithm developed to predict the effect of missense changes on protein structure and function (PolyPhen-2) suggests that this variant is likely to be tolerated. In summary, the available evidence is currently insufficient to determine the role of this variant in disease. Therefore, it has been classified as a Variant of Uncertain Significance.

NM_006269.2(RP1):c.71C>G (p.Pro24Arg)

Gene: RP1 (RP1 axonemal microtubule associated; plus strand). Cytogenetic location: 8q12.1.
Variant type: single nucleotide variant.
Coding change: c.71C>G on transcript NM_006269.2 (MANE Select); coding-DNA position 71, C replaced by G.
Protein change: p.Pro24Arg; replaces proline 24 with arginine.
Molecular consequence: missense variant.
Genome position (GRCh38, 1-based): chr8:54,621,037, C>G. VCF-style: chr8-54621037-C-G. GRCh37 (hg19) VCF-style: chr8-55533597-C-G.
Other names: c.71C>G, p.Pro24Arg (NM_001375654.1); short protein forms P24R.
Identifiers: ClinVar variation 1464871 (VCV001464871.8), dbSNP rs2129314077, ClinGen allele CA370985376.